The following is an entry in ClinVar:

NM_000038.6(APC):c.6126T>C (p.Cys2042=)

Gene: APC (APC regulator of Wnt signaling pathway; plus strand). Cytogenetic location: 5q22.2.
Variant type: single nucleotide variant.
Coding change: c.6126T>C on transcript NM_000038.6 (MANE Select); coding-DNA position 6126, T replaced by C.
Protein change: p.Cys2042=; no amino-acid change (cysteine 2042 retained).
Molecular consequence: synonymous variant.
Genome position (GRCh38, 1-based): chr5:112,841,720, T>C. VCF-style: chr5-112841720-T-C. GRCh37 (hg19) VCF-style: chr5-112177417-T-C.
Other names: c.6126T>C, p.Cys2042= (NM_001127510.3, NM_001354895.2); c.6072T>C, p.Cys2024= (NM_001127511.3); c.6180T>C, p.Cys2060= (NM_001354896.2); c.6156T>C, p.Cys2052= (NM_001354897.2); c.6051T>C, p.Cys2017= (NM_001354898.2); c.6042T>C, p.Cys2014= (NM_001354899.2); c.6003T>C, p.Cys2001= (NM_001354900.2); c.5949T>C, p.Cys1983= (NM_001354901.2); and 5 more.
Identifiers: ClinVar variation 1119137 (VCV001119137.17), dbSNP rs2149957726, ClinGen allele CA446209042.

ClinVar aggregate classification (germline): Benign/Likely benign. Review status: criteria provided, multiple submitters, no conflicts (2 of 4 stars). 5 submissions from 5 submitters: Benign (1); Likely benign (4). Last evaluated 2025-07-05.

Conditions:
Hereditary cancer-predisposing syndrome. Also called: Neoplastic Syndromes, Hereditary; Hereditary Cancer Syndrome; Hereditary neoplastic syndrome; Tumor predisposition. Identifiers: Orphanet 140162, MedGen C0027672, MeSH D009386, MONDO:0015356.
Familial adenomatous polyposis 1 (FAP1). Also called: POLYPOSIS, ADENOMATOUS INTESTINAL; FAMILIAL ADENOMATOUS POLYPOSIS 1, ATTENUATED. Identifiers: MedGen C2713442, MONDO:0021056, OMIM 175100. Disease mechanism: loss of function.

Submissions (5):

Women's Health and Genetics/Laboratory Corporation of America, LabCorp
Classification: Likely benign. Last evaluated: 2025-07-05. Review status: criteria provided, single submitter. Criteria: LabCorp Variant Classification Summary - May 2015. Collection method: clinical testing. Allele origin: germline.

Labcorp Genetics (formerly Invitae), Labcorp
Classification: Likely benign for Familial adenomatous polyposis 1. Last evaluated: 2024-09-22. Review status: criteria provided, single submitter. Criteria: Invitae Variant Classification Sherloc (09022015). Collection method: clinical testing. Allele origin: germline.

Myriad Genetics, Inc.
Classification: Benign for Familial adenomatous polyposis 1. Last evaluated: 2024-04-03. Review status: criteria provided, single submitter. Criteria: Myriad Autosomal Dominant, Autosomal Recessive and X-Linked Classification Criteria (2023). Collection method: clinical testing. Allele origin: unknown.
Comment: This variant is considered benign. This variant is a silent/synonymous amino acid change and it is not expected to impact splicing.

Ambry Genetics
Classification: Likely benign for Hereditary cancer-predisposing syndrome. Last evaluated: 2022-03-02. Review status: criteria provided, single submitter. Criteria: Ambry Variant Classification Scheme 2023. Collection method: clinical testing. Allele origin: germline.

Color Diagnostics, LLC DBA Color Health
Classification: Likely benign for Hereditary cancer-predisposing syndrome. Last evaluated: 2021-07-06. Review status: criteria provided, single submitter. Criteria: ACMG Guidelines, 2015. Collection method: clinical testing. Allele origin: germline.